The following is an entry in ClinVar:

ClinVar aggregate classification (germline): Benign. Review status: criteria provided, multiple submitters, no conflicts (2 of 4 stars). 16 submissions from 15 submitters: Benign (14). 2 of the submissions do not count toward it. Last evaluated 2026-02-03.

Conditions:
Cardiovascular phenotype. Identifiers: MedGen CN230736.
Cardiomyopathy (CMYO). Also called: Cardiomyopathies. Identifiers: Orphanet 167848, MedGen C0878544, MONDO:0004994, HP:0001638. Inheritance: Various modes of inheritance.
Catecholaminergic polymorphic ventricular tachycardia 1. Also called: VENTRICULAR TACHYCARDIA, STRESS-INDUCED POLYMORPHIC 1; VENTRICULAR TACHYCARDIA, CATECHOLAMINERGIC POLYMORPHIC, 1, WITH OR WITHOUT ATRIAL DYSFUNCTION AND/OR DILATED CARDIOMYOPATHY; RYR2-Related Catecholaminergic Polymorphic Ventricular Tachycardia. Identifiers: Orphanet 3286, MedGen C1631597, MONDO:0011484, OMIM 604772.
Arrhythmogenic right ventricular dysplasia 2. Identifiers: MedGen C1832931.
Catecholaminergic polymorphic ventricular tachycardia (CVPT). Also called: Catecholamine-induced polymorphic ventricular tachycardia. Identifiers: Orphanet 3286, MedGen C5574922, MONDO:0017990.

Allele frequency attached by ClinVar (database versions not stated): gnomAD exomes 0.00164 and 0.00414; ExAC 0.00526; gnomAD 0.01629 and 0.01733; ESP Exome Variant Server 0.01751; TOPMed 0.01889; 1000 Genomes Project 0.02117; 1000 Genomes Project 30x 0.02217.
gnomAD v4.1: 4,991 of 1,612,892 alleles (0.31%); highest among the groups gnomAD compares: African/African-American, 5.7%; 132 homozygotes.

Submissions (16):

Labcorp Genetics (formerly Invitae), Labcorp
Classification: Benign for Catecholaminergic polymorphic ventricular tachycardia 1. Last evaluated: 2026-02-03. Review status: criteria provided, single submitter. Criteria: Invitae Variant Classification Sherloc (09022015). Collection method: clinical testing. Allele origin: germline.

ARUP Laboratories, Molecular Genetics and Genomics, ARUP Laboratories
Classification: Benign. Last evaluated: 2025-05-15. Review status: criteria provided, single submitter. Criteria: ARUP Molecular Germline Variant Investigation Process 2024. Collection method: clinical testing. Allele origin: germline.

Molecular Diagnostic Laboratory for Inherited Cardiovascular Disease, Montreal Heart Institute
Classification: Benign. Last evaluated: 2025-04-09. Review status: criteria provided, single submitter. Criteria: ACMG Guidelines, 2015. Collection method: clinical testing. Allele origin: germline. Affected: no.

All of Us Research Program, National Institutes of Health
Classification: Benign for Catecholaminergic polymorphic ventricular tachycardia. Last evaluated: 2024-02-05. Review status: criteria provided, single submitter. Criteria: ACMG Guidelines, 2015. Collection method: clinical testing. Allele origin: germline. Inheritance: Autosomal dominant inheritance. Observed: 992 variant alleles, 973 heterozygotes, 19 homozygotes.
Comment: This study involves interpretation of variants in research participants for the purpose of population health screening. Participant phenotype was not available at the time of variant classification. Additional details can be found in publication PMID: 35346344, PMCID: PMC8962531

Color Diagnostics, LLC DBA Color Health
Classification: Benign for Cardiomyopathy. Last evaluated: 2018-03-15. Review status: criteria provided, single submitter. Criteria: ACMG Guidelines, 2015. Collection method: clinical testing. Allele origin: germline.

Illumina Laboratory Services, Illumina
Classification: Benign for Catecholaminergic polymorphic ventricular tachycardia 1. Last evaluated: 2018-01-13. Review status: criteria provided, single submitter. Criteria: ICSL Variant Classification Criteria 13 December 2019. Collection method: clinical testing. Allele origin: germline.
Comment: This variant was observed in the ICSL laboratory as part of a predisposition screen in an ostensibly healthy population. It had not been previously curated by ICSL or reported in the Human Gene Mutation Database (HGMD: prior to June 1st, 2018), and was therefore a candidate for classification through an automated scoring system. Utilizing variant allele frequency, disease prevalence and penetrance estimates, and inheritance mode, an automated score was calculated to assess if this variant is too frequent to cause the disease. Based on the score and internal cut-off values, a variant classified as benign is not then subjected to further curation. The score for this variant resulted in a classification of benign for this disease.

Illumina Laboratory Services, Illumina
Classification: Benign for Catecholaminergic polymorphic ventricular tachycardia 1. Last evaluated: 2018-01-13. Review status: criteria provided, single submitter. Criteria: ICSL Variant Classification Criteria 13 December 2019. Collection method: clinical testing. Allele origin: germline.
Comment: the same text as in the submission from Illumina Laboratory Services, Illumina above.

Mayo Clinic Laboratories, Mayo Clinic
Classification: Benign. Last evaluated: 2016-08-29. Review status: criteria provided, single submitter. Criteria: ACMG Guidelines, 2015. Collection method: clinical testing. Allele origin: germline. Observed: 29 variant alleles.

CHEO Genetics Diagnostic Laboratory, Children's Hospital of Eastern Ontario
Classification: Benign for Cardiomyopathy. Last evaluated: 2015-11-03. Review status: criteria provided, single submitter. Criteria: ACMG Guidelines, 2015. Collection method: clinical testing. Allele origin: germline. Study: Canadian Open Genetics Repository.

Ambry Genetics
Classification: Benign for Cardiovascular phenotype. Last evaluated: 2015-06-25. Review status: criteria provided, single submitter. Criteria: Ambry Variant Classification Scheme 2023. Collection method: clinical testing. Allele origin: germline.

GeneDx
Classification: Benign. Last evaluated: 2015-03-03. Review status: criteria provided, single submitter. Criteria: GeneDx Variant Classification Process June 2021. Collection method: clinical testing. Allele origin: germline. Affected: yes.

Laboratory for Molecular Medicine, Mass General Brigham Personalized Medicine
Classification: Benign. Last evaluated: 2012-04-24. Review status: criteria provided, single submitter. Criteria: LMM Criteria. Collection method: clinical testing. Allele origin: germline. Observed: 34 variant alleles.
Comment: Asp4807Asp in exon 100 of RYR2: This variant is not expected to have clinical si gnificance because it does not alter an amino acid residue and is not located wi thin the splice consensus sequence. It has been identified in 6.8% (8/118) of ch romosomes from a broad, though clinically and racially unspecified population (d bSNP rs75206601).

Breakthrough Genomics
Classification: Benign. Review status: criteria provided, single submitter. Criteria: ACMG Guidelines, 2015. Collection method: not provided. Allele origin: germline. Inheritance: Autosomal dominant inheritance. Affected: yes.

PreventionGenetics, part of Exact Sciences
Classification: Benign. Review status: criteria provided, single submitter. Criteria: ACMG Guidelines, 2015. Collection method: clinical testing. Allele origin: germline.

Clinical Genetics, Academic Medical Center
Classification: Benign. Review status: no assertion criteria provided. Collection method: clinical testing. Allele origin: germline. Affected: yes. Study: VKGL Data-share Consensus. Not counted in ClinVar's aggregate classification.

Diagnostic Laboratory, Department of Genetics, University Medical Center Groningen
Classification: Likely benign. Review status: no assertion criteria provided. Collection method: clinical testing. Allele origin: germline. Affected: yes. Study: VKGL Data-share Consensus. Not counted in ClinVar's aggregate classification.

NM_001035.3(RYR2):c.14421C>T (p.Asp4807=)

Gene: RYR2 (ryanodine receptor 2; plus strand). Cytogenetic location: 1q43.
Variant type: single nucleotide variant.
Coding change: c.14421C>T on transcript NM_001035.3 (MANE Select); coding-DNA position 14421, C replaced by T.
Protein change: p.Asp4807=; no amino-acid change (aspartic acid 4807 retained).
Molecular consequence: synonymous variant.
Genome position (GRCh38, 1-based): chr1:237,809,023, C>T. VCF-style: chr1-237809023-C-T. GRCh37 (hg19) VCF-style: chr1-237972323-C-T.
Other names: p.Asp4807=.
Identifiers: ClinVar variation 43742 (VCV000043742.43), dbSNP rs75206601, ClinGen allele CA008243.